The following is an entry in ClinVar:

NM_000062.3(SERPING1):c.328_351dup (p.Pro117_Thr118insProThrAspSerProThrGlnPro)

Gene: SERPING1 (serpin family G member 1; plus strand). Cytogenetic location: 11q12.1.
Variant type: Duplication.
Coding change: c.328_351dup on transcript NM_000062.3 (MANE Select); coding-DNA positions 328 to 351, 24 bases duplicated (CCAACAGATTCTCCTACCCAGCCC).
Protein change: p.Pro117_Thr118insProThrAspSerProThrGlnPro.
Molecular consequence: inframe insertion.
Genome position (GRCh38, 1-based): chr11:57,600,155-57,600,178, CCAACAGATTCTCCTACCCAGCCC duplicated; duplicating any 24 consecutive bases within chr11:57,600,154-57,600,178 gives the same sequence; the c. name uses the placement nearest the transcript's 3' end. VCF-style (leftmost placement, unchanged base first): chr11-57600153-T-TCCCAACAGATTCTCCTACCCAGCC. GRCh37 (hg19) VCF-style: chr11-57367626-T-TCCCAACAGATTCTCCTACCCAGCC.
Other names: c.328_351dup, p.Pro117_Thr118insProThrAspSerProThrGlnPro (NM_001032295.2).
Identifiers: ClinVar variation 4753752 (VCV004753752.1).

ClinVar aggregate classification (germline): Uncertain significance (1 of 4 stars; one submission).

Submission:

Labcorp Genetics (formerly Invitae), Labcorp
Classification: Uncertain significance. Last evaluated: 2025-06-04. Review status: criteria provided, single submitter. Criteria: Invitae Variant Classification Sherloc (09022015). Collection method: clinical testing. Allele origin: germline.
Comment: This variant, c.328_351dup, results in the insertion of 8 amino acid(s) of the SERPING1 protein (p.Pro110_Pro117dup), but otherwise preserves the integrity of the reading frame. This variant is not present in population databases (gnomAD no frequency). This variant has not been reported in the literature in individuals affected with SERPING1-related conditions. In summary, the available evidence is currently insufficient to determine the role of this variant in disease. Therefore, it has been classified as a Variant of Uncertain Significance.